The following is an entry in ClinVar:

ClinVar aggregate classification (germline): Uncertain significance (1 of 4 stars; one submission).

Conditions:
Arrhythmogenic right ventricular dysplasia 13. Also called: ARRHYTHMOGENIC RIGHT VENTRICULAR CARDIOMYOPATHY 13; Arrhythmogenic right ventricular dysplasia, familial, 13. Identifiers: MedGen C3810138, MONDO:0000908, OMIM 615616.

Submission:

Labcorp Genetics (formerly Invitae), Labcorp
Classification: Uncertain significance for Arrhythmogenic right ventricular dysplasia 13. Last evaluated: 2022-12-30. Review status: criteria provided, single submitter. Criteria: Invitae Variant Classification Sherloc (09022015). Collection method: clinical testing. Allele origin: unknown.
Comment: This variant has not been reported in the literature in individuals affected with CTNNA3-related conditions. This variant is a gross deletion of the genomic region encompassing exon(s) 16 of the CTNNA3 gene. This deletion is out-of-frame, and is expected to create a premature translational stop signal and result in an absent or disrupted protein product. However, the current clinical and genetic evidence is not sufficient to establish whether loss-of-function variants in CTNNA3 cause disease. In summary, the available evidence is currently insufficient to determine the role of this variant in disease. Therefore, it has been classified as a Variant of Uncertain Significance.

NC_000010.10:g.(?_67748430)_(67748575_?)del

Gene: CTNNA3 (catenin alpha 3; minus strand). Cytogenetic location: 10q21.3.
Variant type: Deletion.
Identifiers: ClinVar variation 3244909 (VCV003244909.1).